The following is an entry in ClinVar:

NM_005257.6(GATA6):c.733G>T (p.Gly245Trp)

Gene: GATA6 (GATA binding protein 6; plus strand). Cytogenetic location: 18q11.2.
Variant type: single nucleotide variant.
Coding change: c.733G>T on transcript NM_005257.6 (MANE Select); coding-DNA position 733, G replaced by T.
Protein change: p.Gly245Trp; replaces glycine 245 with tryptophan.
Molecular consequence: missense variant.
Genome position (GRCh38, 1-based): chr18:22,171,877, G>T. VCF-style: chr18-22171877-G-T. GRCh37 (hg19) VCF-style: chr18-19751838-G-T.
Other names: short protein forms G245W.
Identifiers: ClinVar variation 3369718 (VCV003369718.2).

ClinVar aggregate classification (germline): Uncertain significance (1 of 4 stars; one submission).

Submission:

GeneDx
Classification: Uncertain significance. Last evaluated: 2026-07-06. Review status: criteria provided, single submitter. Criteria: GeneDx Variant Classification Process June 2021. Collection method: clinical testing. Allele origin: germline.
Comment: Not observed at significant frequency in large population cohorts (gnomAD); In silico analysis suggests that this missense variant does not alter protein structure/function; Has not been previously published as pathogenic or benign to our knowledge